The following is an entry in ClinVar:

NM_001367624.2(ZNF469):c.4440G>A (p.Leu1480=)

Gene: ZNF469 (zinc finger protein 469; plus strand). Cytogenetic location: 16q24.2.
Variant type: single nucleotide variant.
Coding change: c.4440G>A on transcript NM_001367624.2 (MANE Select); coding-DNA position 4440, G replaced by A.
Protein change: p.Leu1480=; no amino-acid change (leucine 1480 retained).
Molecular consequence: synonymous variant.
Genome position (GRCh38, 1-based): chr16:88,431,910, G>A. VCF-style: chr16-88431910-G-A. GRCh37 (hg19) VCF-style: chr16-88498318-G-A.
Other names: NM_001127464.1:c.4356G>A.
Identifiers: ClinVar variation 509418 (VCV000509418.5), dbSNP rs755586686, ClinGen allele CA8224958.
Genomic context (GRCh38, chr16:88,431,910, plus strand): 5'-GGTGGACAGATTCGACCCACCCCTCTATGGCAGCCTGTCTGCGAACAGGGACTCCGGTCT[G>A]CCGTTCGCATGTGCCGACCCTCCCCAGAAGACGGTGCCGTCAGATCCACCGTACCCCTCT-3'
Protein context (NP_001354553.1, residues 1470-1490): GSLSANRDSG[Leu1480=]PFACADPPQK

ClinVar aggregate classification (germline): Likely benign. Review status: criteria provided, multiple submitters, no conflicts (2 of 4 stars). 3 submissions from 3 submitters: Likely benign (3). Last evaluated 2023-12-31.

Conditions:
Cardiovascular phenotype. Identifiers: MedGen CN230736.

Allele frequency attached by ClinVar (database versions not stated): gnomAD 0.00001; gnomAD exomes 0.00001; TOPMed 0.00001; ExAC 0.00005.
gnomAD v4.1: 4 of 1,549,576 alleles (0.00026%); highest among the groups gnomAD compares: African/African-American, 0.0014%; no homozygotes.

Submissions (3):

Ambry Genetics
Classification: Likely benign for Cardiovascular phenotype. Last evaluated: 2023-12-31. Review status: criteria provided, single submitter. Criteria: Ambry Variant Classification Scheme 2023. Collection method: clinical testing. Allele origin: germline.

Labcorp Genetics (formerly Invitae), Labcorp
Classification: Likely benign. Last evaluated: 2023-02-24. Review status: criteria provided, single submitter. Criteria: Invitae Variant Classification Sherloc (09022015). Collection method: clinical testing. Allele origin: germline.

GeneDx
Classification: Likely benign. Last evaluated: 2017-05-08. Review status: criteria provided, single submitter. Criteria: GeneDx Variant Classification (06012015). Collection method: clinical testing. Allele origin: germline. Affected: yes.
Comment: This variant is considered likely benign or benign based on one or more of the following criteria: it is a conservative change, it occurs at a poorly conserved position in the protein, it is predicted to be benign by multiple in silico algorithms, and/or has population frequency not consistent with disease.